The following is an entry in ClinVar:

NM_001148.6(ANK2):c.139G>C (p.Val47Leu)

Gene: ANK2 (ankyrin 2; plus strand). Cytogenetic location: 4q25.
Variant type: single nucleotide variant.
Coding change: c.139G>C on transcript NM_001148.6 (MANE Select); coding-DNA position 139, G replaced by C.
Protein change: p.Val47Leu; replaces valine 47 with leucine.
Molecular consequence: missense variant.
Genome position (GRCh38, 1-based): chr4:113,174,470, G>C. VCF-style: chr4-113174470-G-C. GRCh37 (hg19) VCF-style: chr4-114095626-G-C.
Other names: c.127G>C, p.Val43Leu (NM_001386187.2, NM_001386148.2, NM_001386186.2 and 1 more transcripts); c.139G>C, p.Val47Leu (NM_020977.5, NM_001354273.2, NM_001354258.2 and 9 more transcripts); c.76G>C, p.Val26Leu (NM_001354271.2, NM_001354272.2, NM_001354274.2 and 33 more transcripts); c.184G>C, p.Val62Leu (NM_001386144.1, NM_001386152.1, NM_001354230.2 and 5 more transcripts); c.121G>C, p.Val41Leu (NM_001386147.1, NM_001386160.1, NM_001354261.2); c.190G>C, p.Val64Leu (NM_001386174.1, NM_001386175.1); short protein forms V26L, V62L, V41L, V47L, V43L, V64L.
Identifiers: ClinVar variation 4762460 (VCV004762460.1).

ClinVar aggregate classification (germline): Uncertain significance (1 of 4 stars; one submission).

Conditions:
Long QT syndrome (LQTS). Identifiers: MedGen C0023976, MeSH D008133, MONDO:0002442. Disease mechanism: loss of function. Inheritance: Various modes of inheritance.

Submission:

Labcorp Genetics (formerly Invitae), Labcorp
Classification: Uncertain significance for Long QT syndrome. Last evaluated: 2025-08-29. Review status: criteria provided, single submitter. Criteria: Invitae Variant Classification Sherloc (09022015). Collection method: clinical testing. Allele origin: germline.
Comment: This sequence change replaces valine, which is neutral and non-polar, with leucine, which is neutral and non-polar, at codon 47 of the ANK2 protein (p.Val47Leu). This variant is not present in population databases (gnomAD no frequency). This variant has not been reported in the literature in individuals affected with ANK2-related conditions. Invitae Evidence Modeling of protein sequence and biophysical properties (such as structural, functional, and spatial information, amino acid conservation, physicochemical variation, residue mobility, and thermodynamic stability) indicates that this missense variant is not expected to disrupt ANK2 protein function with a negative predictive value of 80%. In summary, the available evidence is currently insufficient to determine the role of this variant in disease. Therefore, it has been classified as a Variant of Uncertain Significance.